The following is an entry in ClinVar:

ClinVar aggregate classification (germline): Uncertain significance (1 of 4 stars; one submission).

gnomAD v4.1: 5 of 1,614,078 alleles (0.00031%); highest among the groups gnomAD compares: African/African-American, 0.0067%; no homozygotes.

Submission:

Labcorp Genetics (formerly Invitae), Labcorp
Classification: Uncertain significance. Last evaluated: 2026-01-06. Review status: criteria provided, single submitter. Criteria: Invitae Variant Classification Sherloc (09022015). Collection method: clinical testing. Allele origin: germline.
Comment: This sequence change replaces asparagine, which is neutral and polar, with serine, which is neutral and polar, at codon 333 of the HJV protein (p.Asn333Ser). This variant is present in population databases (rs782106982, gnomAD 0.005%). This variant has not been reported in the literature in individuals affected with HJV-related conditions. Invitae Evidence Modeling of protein sequence and biophysical properties (such as structural, functional, and spatial information, amino acid conservation, physicochemical variation, residue mobility, and thermodynamic stability) indicates that this missense variant is not expected to disrupt HJV protein function with a negative predictive value of 80%. In summary, the available evidence is currently insufficient to determine the role of this variant in disease. Therefore, it has been classified as a Variant of Uncertain Significance.

NM_213653.4(HJV):c.998A>G (p.Asn333Ser)

Gene: HJV (hemojuvelin BMP co-receptor; minus strand). Cytogenetic location: 1q21.1.
Variant type: single nucleotide variant.
Coding change: c.998A>G on transcript NM_213653.4 (MANE Select); coding-DNA position 998, A replaced by G.
Protein change: p.Asn333Ser; replaces asparagine 333 with serine.
Molecular consequence: missense variant.
Genome position (GRCh38, 1-based): chr1:146,018,360, T>C on the plus strand (A>G on the coding strand, the complement: HJV is on the minus strand). VCF-style: chr1-146018360-T-C. GRCh37 (hg19) VCF-style: chr1-145416653-A-G.
Other names: c.320A>G, p.Asn107Ser (NM_001316767.2, NM_202004.4, NM_213652.4); c.998A>G, p.Asn333Ser (NM_001379352.1); c.659A>G, p.Asn220Ser (NM_145277.5); short protein forms N107S, N220S, N333S.
Identifiers: ClinVar variation 4805007 (VCV004805007.1).